The following is an entry in ClinVar:

NM_001128840.3(CACNA1D):c.5399G>A (p.Ser1800Asn)

Gene: CACNA1D (calcium voltage-gated channel subunit alpha1 D; plus strand). Cytogenetic location: 3p21.1.
Variant type: single nucleotide variant.
Coding change: c.5399G>A on transcript NM_001128840.3 (MANE Select); coding-DNA position 5399, G replaced by A.
Protein change: p.Ser1800Asn; replaces serine 1800 with asparagine.
Molecular consequence: missense variant.
Genome position (GRCh38, 1-based): chr3:53,801,416, G>A. VCF-style: chr3-53801416-G-A. GRCh37 (hg19) VCF-style: chr3-53835443-G-A.
Other names: c.5459G>A, p.Ser1820Asn (NM_000720.4); c.5354G>A, p.Ser1785Asn (NM_001128839.3); short protein forms S1785N, S1800N, S1820N.
Identifiers: ClinVar variation 1691012 (VCV001691012.7), dbSNP rs2095535119, ClinGen allele CA353251864.
Genomic context (GRCh38, chr3:53,801,416, plus strand): 5'-TGTCTGAAAATGGGCATCATTCTTCCCACAAGCATGACCGGGAGCCTCAGAGAAGGTCCA[G>A]TGTGAAAAGGTAACCTTGACAATGTGTTTGGACTTGCTCATGTGGTGTCTGCCCGTGTTG-3'
Protein context (NP_001122312.1, residues 1790-1810): KHDREPQRRS[Ser1800Asn]VKRTRYYETY

ClinVar aggregate classification (germline): Uncertain significance. Review status: criteria provided, multiple submitters, no conflicts (2 of 4 stars). 2 submissions from 2 submitters: Uncertain significance (2). Last evaluated 2025-01-06.

Allele frequency attached by ClinVar (database versions not stated): gnomAD exomes below 0.00001; TOPMed below 0.00001; gnomAD 0.00001.
gnomAD v4.1: 4 of 1,613,934 alleles (0.00025%); highest among the groups gnomAD compares: Non-Finnish European, 0.00034%; no homozygotes.

Submissions (2):

Labcorp Genetics (formerly Invitae), Labcorp
Classification: Uncertain significance. Last evaluated: 2025-01-06. Review status: criteria provided, single submitter. Criteria: Invitae Variant Classification Sherloc (09022015). Collection method: clinical testing. Allele origin: germline.
Comment: This sequence change replaces serine, which is neutral and polar, with asparagine, which is neutral and polar, at codon 1820 of the CACNA1D protein (p.Ser1820Asn). This variant is not present in population databases (gnomAD no frequency). This variant has not been reported in the literature in individuals affected with CACNA1D-related conditions. ClinVar contains an entry for this variant (Variation ID: 1691012). An algorithm developed to predict the effect of missense changes on protein structure and function (PolyPhen-2) suggests that this variant is likely to be tolerated. In summary, the available evidence is currently insufficient to determine the role of this variant in disease. Therefore, it has been classified as a Variant of Uncertain Significance.

Laboratorio de Genetica e Diagnostico Molecular, Hospital Israelita Albert Einstein
Classification: Uncertain significance. Last evaluated: 2021-03-31. Review status: criteria provided, single submitter. Criteria: ACMG Guidelines, 2015. Collection method: clinical testing. Allele origin: germline. Affected: yes.
Comment: ACMG classification criteria: PM2, BP4